The following is an entry in ClinVar:

ClinVar aggregate classification (germline): Uncertain significance (1 of 4 stars; one submission).

gnomAD v4.1: 1 of 1,614,198 alleles (0.000062%); highest among the groups gnomAD compares: Non-Finnish European, 0.000085%; no homozygotes.

Submission:

Ambry Genetics
Classification: Uncertain significance. Last evaluated: 2025-11-11. Review status: criteria provided, single submitter. Criteria: Ambry Variant Classification Scheme 2023. Collection method: clinical testing. Allele origin: germline.
Comment: The p.L1701Q variant (also known as c.5102T>A), located in coding exon 44 of the KIF1B gene, results from a T to A substitution at nucleotide position 5102. The leucine at codon 1701 is replaced by glutamine, an amino acid with dissimilar properties. This amino acid position is conserved. In addition, this alteration is predicted to be deleterious by in silico analysis. Based on the available evidence, the clinical significance of this variant remains unclear.

NM_001365951.3(KIF1B):c.5240T>A (p.Leu1747Gln)

Gene: KIF1B (kinesin family member 1B; plus strand). Cytogenetic location: 1p36.22.
Variant type: single nucleotide variant.
Coding change: c.5240T>A on transcript NM_001365951.3 (MANE Select); coding-DNA position 5240, T replaced by A.
Protein change: p.Leu1747Gln; replaces leucine 1747 with glutamine.
Molecular consequence: missense variant.
Genome position (GRCh38, 1-based): chr1:10,374,997, T>A. VCF-style: chr1-10374997-T-A. GRCh37 (hg19) VCF-style: chr1-10435055-T-A.
Other names: c.5240T>A, p.Leu1747Gln (NM_001365952.1); c.5102T>A, p.Leu1701Gln (NM_015074.3); short protein forms L1701Q, L1747Q.
Identifiers: ClinVar variation 4543670 (VCV004543670.1).
Genomic context (GRCh38, chr1:10,374,997, plus strand): 5'-GGCCTTATGTCTTCATCTATAACAGTGACAAAGACCCTGTGGAGCGTGGAATCATTAACC[T>A]GTCCACAGCACAGGTGGAGTACAGTGAGGACCAGCAGGCCATGGTGAAGGTCCGTCCTGC-3'
Protein context (NP_001352880.1, residues 1737-1757): KDPVERGIIN[Leu1747Gln]STAQVEYSED